The following is an entry in ClinVar:

ClinVar aggregate classification (germline): Uncertain significance (1 of 4 stars; one submission).

Conditions:
Hereditary cancer-predisposing syndrome. Also called: Neoplastic Syndromes, Hereditary; Tumor predisposition; Hereditary Cancer Syndrome; Hereditary neoplastic syndrome. Identifiers: Orphanet 140162, MedGen C0027672, MeSH D009386, MONDO:0015356.

Submission:

Color Diagnostics, LLC DBA Color Health
Classification: Uncertain significance for Hereditary cancer-predisposing syndrome. Last evaluated: 2021-10-12. Review status: criteria provided, single submitter. Criteria: ACMG Guidelines, 2015. Collection method: clinical testing. Allele origin: germline.
Comment: This variant causes a deletion of leucine residue from codon 811 of the BRIP1 protein. To our knowledge, functional studies have not been reported for this variant. This variant has not been reported in individuals affected with hereditary cancer in the literature. This variant has not been identified in the general population by the Genome Aggregation Database (gnomAD). The available evidence is insufficient to determine the role of this variant in disease conclusively. Therefore, this variant is classified as a Variant of Uncertain Significance.

NM_032043.3(BRIP1):c.2427TCT[1] (p.Leu811del)

Gene: BRIP1 (BRCA1 interacting DNA helicase 1; minus strand). Cytogenetic location: 17q23.2.
Variant type: Microsatellite.
Coding change: c.2427TCT[1] on transcript NM_032043.3 (MANE Select); one copy of the 3-base unit TCT starting at c.2427; the reference has two copies in a row; one copy, 3 bases deleted; also written c.2430_2432del.
Protein change: p.Leu811del; deletes leucine 811.
Molecular consequence: inframe deletion.
Genome position (GRCh38, 1-based): chr17:61,716,011-61,716,013, AGA deleted on the plus strand (TCT on the coding strand, the reverse complement: BRIP1 is on the minus strand); deleting any 3 consecutive bases within chr17:61,716,011-61,716,016 gives the same sequence; the position shown is the placement nearest the transcript's 3' end. VCF-style (leftmost placement, unchanged base first): chr17-61716010-TAGA-T. GRCh37 (hg19) VCF-style: chr17-59793371-TAGA-T.
Other names: c.2430_2432del (NM_032043.3); short protein forms L811del.
Identifiers: ClinVar variation 2774993 (VCV002774993.2), dbSNP rs2544697139, ClinGen allele CA2697555055.